The following is an entry in ClinVar:

NM_001164277.2(SLC37A4):c.1271T>A (p.Val424Glu)

Gene: SLC37A4 (solute carrier family 37 member 4; minus strand). Cytogenetic location: 11q23.3.
Variant type: single nucleotide variant.
Coding change: c.1271T>A on transcript NM_001164277.2 (MANE Select); coding-DNA position 1271, T replaced by A.
Protein change: p.Val424Glu; replaces valine 424 with glutamic acid.
Molecular consequence: missense variant.
Genome position (GRCh38, 1-based): chr11:119,024,929, A>T on the plus strand (T>A on the coding strand, the complement: SLC37A4 is on the minus strand). VCF-style: chr11-119024929-A-T. GRCh37 (hg19) VCF-style: chr11-118895639-A-T.
Other names: c.1337T>A, p.Val446Glu (NM_001164278.2); c.1052T>A, p.Val351Glu (NM_001164279.2); c.1271T>A, p.Val424Glu (NM_001164280.2, NM_001467.6); short protein forms V446E, V351E, V424E.
Identifiers: ClinVar variation 2146815 (VCV002146815.2), dbSNP rs782143026, ClinGen allele CA6311580.

ClinVar aggregate classification (germline): Uncertain significance (1 of 4 stars; one submission).

Conditions:
Glucose-6-phosphate transport defect (GSD1B). Also called: GSD Ib; Glycogen Storage Disease Type Ib. Identifiers: Orphanet 364, Orphanet 79259, MedGen C0268146, MONDO:0009288, OMIM 232220.

Allele frequency attached by ClinVar (database versions not stated): TOPMed below 0.00001; gnomAD exomes 0.00001; ExAC 0.00002.

Submission:

Labcorp Genetics (formerly Invitae), Labcorp
Classification: Uncertain significance for Glucose-6-phosphate transport defect. Last evaluated: 2025-11-17. Review status: criteria provided, single submitter. Criteria: Invitae Variant Classification Sherloc (09022015). Collection method: clinical testing. Allele origin: germline.
Comment: This sequence change replaces valine, which is neutral and non-polar, with glutamic acid, which is acidic and polar, at codon 424 of the SLC37A4 protein (p.Val424Glu). This variant is present in population databases (rs782143026, gnomAD 0.02%). This variant has not been reported in the literature in individuals affected with SLC37A4-related conditions. ClinVar contains an entry for this variant (Variation ID: 2146815). Invitae Evidence Modeling of protein sequence and biophysical properties (such as structural, functional, and spatial information, amino acid conservation, physicochemical variation, residue mobility, and thermodynamic stability) has been performed for this missense variant. However, the output from this modeling did not meet the statistical confidence thresholds required to predict the impact of this variant on SLC37A4 protein function. In summary, the available evidence is currently insufficient to determine the role of this variant in disease. Therefore, it has been classified as a Variant of Uncertain Significance.